The following is an entry in ClinVar:

NM_003322.6(TULP1):c.659C>T (p.Pro220Leu)

Gene: TULP1 (TUB like protein 1; minus strand). Cytogenetic location: 6p21.31.
Variant type: single nucleotide variant.
Coding change: c.659C>T on transcript NM_003322.6 (MANE Select); coding-DNA position 659, C replaced by T.
Protein change: p.Pro220Leu; replaces proline 220 with leucine.
Molecular consequence: missense variant.
Genome position (GRCh38, 1-based): chr6:35,509,693, G>A on the plus strand (C>T on the coding strand, the complement: TULP1 is on the minus strand). VCF-style: chr6-35509693-G-A. GRCh37 (hg19) VCF-style: chr6-35477470-G-A.
Other names: c.500C>T, p.Pro167Leu (NM_001289395.2); short protein forms P220L, P167L.
Identifiers: ClinVar variation 2076412 (VCV002076412.1), dbSNP rs761217132, ClinGen allele CA3772847.

ClinVar aggregate classification (germline): Uncertain significance (1 of 4 stars; one submission).

Allele frequency attached by ClinVar (database versions not stated): ExAC 0.00001; gnomAD 0.00001; gnomAD exomes 0.00001; TOPMed 0.00002.
gnomAD v4.1: 7 of 1,613,932 alleles (0.00043%); highest among the groups gnomAD compares: Admixed American, 0.0083%; no homozygotes.

Submission:

Labcorp Genetics (formerly Invitae), Labcorp
Classification: Uncertain significance. Last evaluated: 2022-06-08. Review status: criteria provided, single submitter. Criteria: Invitae Variant Classification Sherloc (09022015). Collection method: clinical testing. Allele origin: germline.
Comment: This sequence change replaces proline, which is neutral and non-polar, with leucine, which is neutral and non-polar, at codon 220 of the TULP1 protein (p.Pro220Leu). This variant is present in population databases (rs761217132, gnomAD 0.009%). This variant has not been reported in the literature in individuals affected with TULP1-related conditions. Algorithms developed to predict the effect of missense changes on protein structure and function are either unavailable or do not agree on the potential impact of this missense change (SIFT: "Not Available"; PolyPhen-2: "Benign"; Align-GVGD: "Not Available"). In summary, the available evidence is currently insufficient to determine the role of this variant in disease. Therefore, it has been classified as a Variant of Uncertain Significance.